The following is an entry in ClinVar:

ClinVar aggregate classification (germline): Benign/Likely benign. Review status: criteria provided, single submitter (1 of 4 stars). 2 submissions from 1 submitter: Benign (1); Likely benign (1). Last evaluated 2018-01-13.

Conditions:
Glucocorticoid-remediable aldosteronism. Also called: Hyperaldosteronism, familial, type I; ACTH-DEPENDENT HYPERALDOSTERONISM SYNDROME; ALDOSTERONISM, SENSITIVE TO DEXAMETHASONE; FH I; GLUCOCORTICOID-SUPPRESSIBLE HYPERALDOSTERONISM. Identifiers: Orphanet 403, MedGen C3838731, MONDO:0007080, OMIM 103900.
Deficiency of steroid 11-beta-monooxygenase (CYP11B1). Also called: ADRENAL HYPERPLASIA, CONGENITAL, DUE TO STEROID 11-BETA-HYDROXYLASE DEFICIENCY; 11-BETA-HYDROXYLASE DEFICIENCY; ADRENAL HYPERPLASIA IV; P450C11B1 DEFICIENCY; STEROID 11-BETA-HYDROXYLASE DEFICIENCY; Congenital adrenal hyperplasia due to 11-beta-hydroxylase deficiency. Identifiers: Orphanet 90795, MedGen C0268292, MONDO:0008729, OMIM 202010. Disease mechanism: loss of function.

Allele frequency attached by ClinVar (database versions not stated): gnomAD 0.01230 and 0.01316; TOPMed 0.01404; 1000 Genomes Project 0.01518; 1000 Genomes Project 30x 0.01608.

Submissions (2):

Illumina Laboratory Services, Illumina
Classification: Benign for Glucocorticoid-remediable aldosteronism. Last evaluated: 2018-01-13. Review status: criteria provided, single submitter. Criteria: ICSL Variant Classification Criteria 13 December 2019. Collection method: clinical testing. Allele origin: germline.
Comment: This variant was observed in the ICSL laboratory as part of a predisposition screen in an ostensibly healthy population. It had not been previously curated by ICSL or reported in the Human Gene Mutation Database (HGMD: prior to June 1st, 2018), and was therefore a candidate for classification through an automated scoring system. Utilizing variant allele frequency, disease prevalence and penetrance estimates, and inheritance mode, an automated score was calculated to assess if this variant is too frequent to cause the disease. Based on the score and internal cut-off values, a variant classified as benign is not then subjected to further curation. The score for this variant resulted in a classification of benign for this disease.

Illumina Laboratory Services, Illumina
Classification: Likely benign for Deficiency of steroid 11-beta-monooxygenase. Last evaluated: 2018-01-13. Review status: criteria provided, single submitter. Criteria: ICSL Variant Classification Criteria 13 December 2019. Collection method: clinical testing. Allele origin: germline.
Comment: This variant was observed in the ICSL laboratory as part of a predisposition screen in an ostensibly healthy population. It had not been previously curated by ICSL or reported in the Human Gene Mutation Database (HGMD: prior to June 1st, 2018), and was therefore a candidate for classification through an automated scoring system. Utilizing variant allele frequency, disease prevalence and penetrance estimates, and inheritance mode, an automated score was calculated to assess if this variant is too frequent to cause the disease. Based on the score and internal cut-off values, a variant classified as likely benign is not then subjected to further curation. The score for this variant resulted in a classification of likely benign for this disease.

NM_000497.4(CYP11B1):c.*1871T>A

Gene: CYP11B1 (cytochrome P450 family 11 subfamily B member 1; minus strand). Cytogenetic location: 8q24.3.
Variant type: single nucleotide variant.
Coding change: c.*1871T>A on transcript NM_000497.4 (MANE Select); 1871 bases downstream of the stop codon, T replaced by A.
Molecular consequence: 3 prime UTR variant.
Genome position (GRCh38, 1-based): chr8:142,872,502, A>T on the plus strand (T>A on the coding strand, the complement: CYP11B1 is on the minus strand). VCF-style: chr8-142872502-A-T. GRCh37 (hg19) VCF-style: chr8-143953918-A-T.
Other names: c.*1871T>A (NM_001026213.1).
Identifiers: ClinVar variation 362103 (VCV000362103.5), dbSNP rs61752818, ClinGen allele CA10630428.
Genomic context (GRCh38, chr8:142,872,502, plus strand): 5'-TCTCCTTTCTGGAATGGGAATGTTTATCCTATGCCTCTCCAACCACTGTATTTTGGAAGC[A>T]CATAACATGTTTGATTTCATAGGTTCGCAGCAAGAACAGTTGGACTCAGGATAAATTGTA-3'